The following is an entry in ClinVar:

ClinVar aggregate classification (germline): Uncertain significance (1 of 4 stars; one submission).

Conditions:
Hereditary cancer-predisposing syndrome. Also called: Neoplastic Syndromes, Hereditary; Tumor predisposition; Hereditary Cancer Syndrome; Hereditary neoplastic syndrome. Identifiers: Orphanet 140162, MedGen C0027672, MeSH D009386, MONDO:0015356.

Submission:

Ambry Genetics
Classification: Uncertain significance for Hereditary cancer-predisposing syndrome. Last evaluated: 2022-02-23. Review status: criteria provided, single submitter. Criteria: Ambry Variant Classification Scheme 2023. Collection method: clinical testing. Allele origin: germline.
Comment: The p.L596V variant (also known as c.1786C>G), located in coding exon 18 of the RB1 gene, results from a C to G substitution at nucleotide position 1786. The leucine at codon 596 is replaced by valine, an amino acid with highly similar properties. This amino acid position is conserved. In addition, this alteration is predicted to be tolerated by in silico analysis. Since supporting evidence is limited at this time, the clinical significance of this alteration remains unclear.

NM_000321.3(RB1):c.1786C>G (p.Leu596Val)

Gene: RB1 (RB transcriptional corepressor 1; plus strand). Cytogenetic location: 13q14.2.
Variant type: single nucleotide variant.
Coding change: c.1786C>G on transcript NM_000321.3 (MANE Select); coding-DNA position 1786, C replaced by G.
Protein change: p.Leu596Val; replaces leucine 596 with valine.
Molecular consequence: missense variant.
Genome position (GRCh38, 1-based): chr13:48,453,083, C>G. VCF-style: chr13-48453083-C-G. GRCh37 (hg19) VCF-style: chr13-49027219-C-G.
Other names: c.1786C>G, p.Leu596Val (NM_001407165.1); short protein forms L596V.
Identifiers: ClinVar variation 1780094 (VCV001780094.2), dbSNP rs2138327308, ClinGen allele CA388165610.